The following is an entry in ClinVar:

NM_014804.3(KIAA0753):c.1397_1398inv (p.Leu466Pro)

Gene: KIAA0753 (KIAA0753; minus strand). Cytogenetic location: 17p13.1.
Variant type: Inversion.
Coding change: c.1397_1398inv on transcript NM_014804.3 (MANE Select).
Protein change: p.Leu466Pro; replaces leucine 466 with proline.
Molecular consequence: missense variant.
Genome position: GRCh38 VCF-style: chr17-6612066-CA-TG. GRCh37 (hg19) VCF-style: chr17-6515386-CA-TG.
Other names: c.500_501inv, p.Leu167Pro (NM_001351225.2); short protein forms L466P, L167P.
Identifiers: ClinVar variation 1902442 (VCV001902442.5), ClinGen allele CA2580094733.

ClinVar aggregate classification (germline): Uncertain significance (1 of 4 stars; one submission).

Submission:

Labcorp Genetics (formerly Invitae), Labcorp
Classification: Uncertain significance. Last evaluated: 2022-02-19. Review status: criteria provided, single submitter. Criteria: Invitae Variant Classification Sherloc (09022015). Collection method: clinical testing. Allele origin: germline.
Comment: Algorithms developed to predict the effect of missense changes on protein structure and function are either unavailable or do not agree on the potential impact of this missense change (SIFT: "Not Available"; PolyPhen-2: "Benign"; Align-GVGD: "Not Available"). This variant has not been reported in the literature in individuals affected with KIAA0753-related conditions. Information on the frequency of this variant in the gnomAD database is not available, as this variant may be reported differently in the database. This sequence change replaces leucine, which is neutral and non-polar, with proline, which is neutral and non-polar, at codon 466 of the KIAA0753 protein (p.Leu466Pro). In summary, the available evidence is currently insufficient to determine the role of this variant in disease. Therefore, it has been classified as a Variant of Uncertain Significance.